The following is an entry in ClinVar:

NM_001963.6(EGF):c.464G>A (p.Ser155Asn)

Gene: EGF (epidermal growth factor; plus strand). Cytogenetic location: 4q25.
Variant type: single nucleotide variant.
Coding change: c.464G>A on transcript NM_001963.6 (MANE Select); coding-DNA position 464, G replaced by A.
Protein change: p.Ser155Asn; replaces serine 155 with asparagine.
Molecular consequence: missense variant.
Genome position (GRCh38, 1-based): chr4:109,943,390, G>A. VCF-style: chr4-109943390-G-A. GRCh37 (hg19) VCF-style: chr4-110864546-G-A.
Other names: c.464G>A, p.Ser155Asn (NM_001178130.3, NM_001178131.3, NM_001357021.2); c.464G>A (NM_001963.4); short protein forms S155N.
Identifiers: ClinVar variation 1368025 (VCV001368025.10), dbSNP rs150361543, ClinGen allele CA3043417.

ClinVar aggregate classification (germline): Uncertain significance. Review status: criteria provided, multiple submitters, no conflicts (2 of 4 stars). 3 submissions from 3 submitters: Uncertain significance (3). Last evaluated 2025-08-21.

Conditions:
Renal hypomagnesemia 4. Also called: HYPOMAGNESEMIA, RENAL, NORMOCALCIURIC. Identifiers: Orphanet 34527, MedGen C2673648, MONDO:0012717, OMIM 611718.

Allele frequency attached by ClinVar (database versions not stated): gnomAD exomes 0.00009; TOPMed 0.00011; gnomAD 0.00012 and 0.00013; ESP Exome Variant Server 0.00015.
gnomAD v4.1: 141 of 1,613,652 alleles (0.0087%); highest among the groups gnomAD compares: Non-Finnish European, 0.011%; no homozygotes.

Submissions (3):

Labcorp Genetics (formerly Invitae), Labcorp
Classification: Uncertain significance. Last evaluated: 2025-08-21. Review status: criteria provided, single submitter. Criteria: Invitae Variant Classification Sherloc (09022015). Collection method: clinical testing. Allele origin: germline.
Comment: This sequence change replaces serine with asparagine at codon 155 of the EGF protein (p.Ser155Asn). The serine residue is weakly conserved and there is a small physicochemical difference between serine and asparagine. This variant is present in population databases (rs150361543, gnomAD 0.02%). This variant has not been reported in the literature in individuals affected with EGF-related conditions. ClinVar contains an entry for this variant (Variation ID: 1368025). An algorithm developed to predict the effect of missense changes on protein structure and function outputs the following: PolyPhen-2: "Benign". The asparagine amino acid residue is found in multiple mammalian species, which suggests that this missense change does not adversely affect protein function. In summary, the available evidence is currently insufficient to determine the role of this variant in disease. Therefore, it has been classified as a Variant of Uncertain Significance.

Ambry Genetics
Classification: Uncertain significance. Last evaluated: 2024-09-08. Review status: criteria provided, single submitter. Criteria: Ambry Variant Classification Scheme 2023. Collection method: clinical testing. Allele origin: germline.

Fulgent Genetics
Classification: Uncertain significance for Renal hypomagnesemia 4. Last evaluated: 2022-03-09. Review status: criteria provided, single submitter. Criteria: ACMG Guidelines, 2015. Collection method: clinical testing. Allele origin: unknown.